The following is an entry in ClinVar:

NM_006063.3(KLHL41):c.1192G>T (p.Asp398Tyr)

Gene: KLHL41 (kelch like family member 41; plus strand). Cytogenetic location: 2q31.1.
Variant type: single nucleotide variant.
Coding change: c.1192G>T on transcript NM_006063.3 (MANE Select); coding-DNA position 1192, G replaced by T.
Protein change: p.Asp398Tyr; replaces aspartic acid 398 with tyrosine.
Molecular consequence: missense variant.
Genome position (GRCh38, 1-based): chr2:169,514,655, G>T. VCF-style: chr2-169514655-G-T. GRCh37 (hg19) VCF-style: chr2-170371165-G-T.
Other names: short protein forms D398Y.
Identifiers: ClinVar variation 641410 (VCV000641410.7), dbSNP rs1574351200, ClinGen allele CA349178484.

ClinVar aggregate classification (germline): Uncertain significance. Review status: criteria provided, multiple submitters, no conflicts (2 of 4 stars). 2 submissions from 2 submitters: Uncertain significance (2). Last evaluated 2025-04-27.

Conditions:
Nemaline myopathy 9 (NEM9). Identifiers: MedGen C3810384, MONDO:0014326, OMIM 615731.
Inborn genetic diseases. Identifiers: MedGen C0950123, MeSH D030342.

gnomAD v4.1: 3 of 1,613,994 alleles (0.00019%); highest among the groups gnomAD compares: Middle Eastern, 0.016%; no homozygotes.

Submissions (2):

Ambry Genetics
Classification: Uncertain significance for Inborn genetic diseases. Last evaluated: 2025-04-27. Review status: criteria provided, single submitter. Criteria: Ambry Variant Classification Scheme 2023. Collection method: clinical testing. Allele origin: germline.

Labcorp Genetics (formerly Invitae), Labcorp
Classification: Uncertain significance for Nemaline myopathy 9. Last evaluated: 2018-09-25. Review status: criteria provided, single submitter. Criteria: Invitae Variant Classification Sherloc (09022015). Collection method: clinical testing. Allele origin: germline.
Comment: In summary, the available evidence is currently insufficient to determine the role of this variant in disease. Therefore, it has been classified as a Variant of Uncertain Significance. Algorithms developed to predict the effect of missense changes on protein structure and function are either unavailable or do not agree on the potential impact of this missense change (SIFT: "Deleterious"; PolyPhen-2: "Benign"; Align-GVGD: "Class C45"). This variant has not been reported in the literature in individuals with KLHL41-related disease. This variant is not present in population databases (ExAC no frequency). This sequence change replaces aspartic acid with tyrosine at codon 398 of the KLHL41 protein (p.Asp398Tyr). The aspartic acid residue is highly conserved and there is a large physicochemical difference between aspartic acid and tyrosine.